The following is an entry in ClinVar:

NM_001082486.2(ACD):c.145C>T (p.Pro49Ser)

Gene: ACD (ACD shelterin complex subunit and telomerase recruitment factor; minus strand). Cytogenetic location: 16q22.1.
Variant type: single nucleotide variant.
Coding change: c.145C>T on transcript NM_001082486.2 (MANE Select); coding-DNA position 145, C replaced by T.
Protein change: p.Pro49Ser; replaces proline 49 with serine.
Molecular consequence: missense variant.
Genome position (GRCh38, 1-based): chr16:67,660,000, G>A on the plus strand (C>T on the coding strand, the complement: ACD is on the minus strand). VCF-style: chr16-67660000-G-A. GRCh37 (hg19) VCF-style: chr16-67693903-G-A.
Other names: c.145C>T, p.Pro49Ser (NM_001410884.1); c.136C>T, p.Pro46Ser (NM_022914.3); c.403C>T (NM_001082486.1); short protein forms P46S, P49S.
Identifiers: ClinVar variation 2171038 (VCV002171038.5), dbSNP rs1597773937, ClinGen allele CA396356885.
Genomic context (GRCh38, chr16:67,660,000, plus strand): 5'-ATCGGACACTGTGGGTCCCGTCAGACACAAGCAGCGTGGCCCCGACGTCGGACGTATCAG[G>A]GGCGTGGGATGGGCCCGCGACCGCGGCCTCGGCGTCCTGTAGTACCTGACGGCGGCGAGC-3'
Protein context (NP_001075955.2, residues 39-59): EAAVAGPSHA[Pro49Ser]DTSDVGATLL

ClinVar aggregate classification (germline): Uncertain significance. Review status: criteria provided, multiple submitters, no conflicts (2 of 4 stars). 2 submissions from 2 submitters: Uncertain significance (2). Last evaluated 2024-08-21.

Conditions:
Inborn genetic diseases. Identifiers: MedGen C0950123, MeSH D030342.
Dyskeratosis congenita, autosomal dominant 6 (DKCA6). Identifiers: Orphanet 3322, MedGen C4225284, MONDO:0014690, OMIM 616553.

gnomAD v4.1: 3 of 1,608,796 alleles (0.00019%); highest among the groups gnomAD compares: African/African-American, 0.0027%; no homozygotes.

Submissions (2):

Ambry Genetics
Classification: Uncertain significance for Inborn genetic diseases. Last evaluated: 2024-08-21. Review status: criteria provided, single submitter. Criteria: Ambry Variant Classification Scheme 2023. Collection method: clinical testing. Allele origin: germline.
Comment: The p.P135S variant (also known as c.403C>T), located in coding exon 2 of the ACD gene, results from a C to T substitution at nucleotide position 403. The proline at codon 135 is replaced by serine, an amino acid with similar properties. This amino acid position is conserved. In addition, this alteration is predicted to be tolerated by in silico analysis. Based on the available evidence, the clinical significance of this variant remains unclear.

Labcorp Genetics (formerly Invitae), Labcorp
Classification: Uncertain significance for Dyskeratosis congenita, autosomal dominant 6. Last evaluated: 2022-10-14. Review status: criteria provided, single submitter. Criteria: Invitae Variant Classification Sherloc (09022015). Collection method: clinical testing. Allele origin: germline.
Comment: This variant has not been reported in the literature in individuals affected with ACD-related conditions. This variant is not present in population databases (gnomAD no frequency). This sequence change replaces proline, which is neutral and non-polar, with serine, which is neutral and polar, at codon 135 of the ACD protein (p.Pro135Ser). Advanced modeling of protein sequence and biophysical properties (such as structural, functional, and spatial information, amino acid conservation, physicochemical variation, residue mobility, and thermodynamic stability) performed at Invitae indicates that this missense variant is not expected to disrupt ACD protein function. In summary, the available evidence is currently insufficient to determine the role of this variant in disease. Therefore, it has been classified as a Variant of Uncertain Significance.